The following is an entry in ClinVar:

NM_000051.4(ATM):c.8333A>T (p.Glu2778Val)

Genes: ATM (ATM serine/threonine kinase; plus strand), C11orf65 (chromosome 11 open reading frame 65; minus strand). Cytogenetic location: 11q22.3.
Variant type: single nucleotide variant.
Coding change: c.8333A>T on transcript NM_000051.4 (MANE Select); coding-DNA position 8333, A replaced by T.
Protein change: p.Glu2778Val; replaces glutamic acid 2778 with valine.
Molecular consequence: missense variant. On other transcripts: intron variant (2).
Genome position (GRCh38, 1-based): chr11:108,343,286, A>T. VCF-style: chr11-108343286-A-T. GRCh37 (hg19) VCF-style: chr11-108214013-A-T.
Other names: c.8333A>T, p.Glu2778Val (NM_001351834.2); c.641-34215T>A (NM_001330368.2); c.695-7994T>A (NM_001351110.2); short protein forms E2778V.
Identifiers: ClinVar variation 2762581 (VCV002762581.4), dbSNP rs876659792, ClinGen allele CA382516439.
Genomic context (GRCh38, chr11:108,343,286, plus strand): 5'-TTCCCCTCTCTCAGCGAAGTGGTGTTCTTGAATGGTGCACAGGAACTGTCCCCATTGGTG[A>T]ATTTCTTGTTAACAATGAAGATGGTGCTCATAAAAGATACAGGCCAAATGATTTCAGTGC-3'
Protein context (NP_000042.3, residues 2768-2788): EWCTGTVPIG[Glu2778Val]FLVNNEDGAH

ClinVar aggregate classification (germline): Uncertain significance. Review status: criteria provided, multiple submitters, no conflicts (2 of 4 stars). 2 submissions from 2 submitters: Uncertain significance (2). Last evaluated 2024-09-06.

Conditions:
Ataxia-telangiectasia syndrome (AT). Also called: LOUIS-BAR SYNDROME; Cerebello-oculocutaneous telangiectasia; Immunodeficiency with ataxia telangiectasia; Ataxia telangiectasia (A-T); Ataxia-telangiectasia, complementation group D; AT, COMPLEMENTATION GROUP C. Identifiers: Orphanet 100, MedGen C0004135, MONDO:0008840, OMIM 208900.
Hereditary cancer-predisposing syndrome. Also called: Tumor predisposition; Neoplastic Syndromes, Hereditary; Hereditary Cancer Syndrome; Hereditary neoplastic syndrome. Identifiers: Orphanet 140162, MedGen C0027672, MeSH D009386, MONDO:0015356.

Submissions (2):

Ambry Genetics
Classification: Uncertain significance for Hereditary cancer-predisposing syndrome. Last evaluated: 2024-09-06. Review status: criteria provided, single submitter. Criteria: Ambry Variant Classification Scheme 2023. Collection method: clinical testing. Allele origin: germline.
Comment: The p.E2778V variant (also known as c.8333A>T), located in coding exon 56 of the ATM gene, results from an A to T substitution at nucleotide position 8333. The glutamic acid at codon 2778 is replaced by valine, an amino acid with dissimilar properties. This amino acid position is conserved. In addition, the in silico prediction for this alteration is inconclusive. Based on the available evidence, the clinical significance of this variant remains unclear.

Labcorp Genetics (formerly Invitae), Labcorp
Classification: Uncertain significance for Ataxia-telangiectasia syndrome. Last evaluated: 2023-09-22. Review status: criteria provided, single submitter. Criteria: Invitae Variant Classification Sherloc (09022015). Collection method: clinical testing. Allele origin: germline.
Comment: This sequence change replaces glutamic acid, which is acidic and polar, with valine, which is neutral and non-polar, at codon 2778 of the ATM protein (p.Glu2778Val). This variant is not present in population databases (gnomAD no frequency). This variant has not been reported in the literature in individuals affected with ATM-related conditions. An algorithm developed to predict the effect of missense changes on protein structure and function (PolyPhen-2) suggests that this variant is likely to be tolerated. In summary, the available evidence is currently insufficient to determine the role of this variant in disease. Therefore, it has been classified as a Variant of Uncertain Significance.